The following is an entry in ClinVar:

ClinVar aggregate classification (germline): Benign/Likely benign. Review status: criteria provided, multiple submitters, no conflicts (2 of 4 stars). 5 submissions from 5 submitters: Benign (1); Likely benign (4). Last evaluated 2025-03-04.

Conditions:
Familial cancer of breast. Also called: BREAST CANCER, FAMILIAL; hereditary breast carcinoma; Hereditary breast cancer. Identifiers: Orphanet 227535, MedGen C0346153, MONDO:0016419, OMIM 114480. Disease mechanism: loss of function.
Hereditary cancer-predisposing syndrome. Also called: Neoplastic Syndromes, Hereditary; Tumor predisposition; Hereditary Cancer Syndrome; Hereditary neoplastic syndrome. Identifiers: Orphanet 140162, MedGen C0027672, MeSH D009386, MONDO:0015356.

Allele frequency attached by ClinVar (database versions not stated): gnomAD 0.00001.
gnomAD v4.1: 2 of 1,541,372 alleles (0.00013%); highest among the groups gnomAD compares: Non-Finnish European, 0.00018%; no homozygotes.

Submissions (5):

Center for Genomic Medicine, Rigshospitalet, Copenhagen University Hospital
Classification: Likely benign. Last evaluated: 2025-03-04. Review status: criteria provided, single submitter. Criteria: ACMG Guidelines, 2015. Collection method: clinical testing. Allele origin: germline.

Myriad Genetics, Inc.
Classification: Benign for Familial cancer of breast. Last evaluated: 2024-07-24. Review status: criteria provided, single submitter. Criteria: Myriad Autosomal Dominant, Autosomal Recessive and X-Linked Classification Criteria (2023). Collection method: clinical testing. Allele origin: unknown.
Comment: This variant is considered benign. This variant is a silent/synonymous amino acid change and it is not expected to impact splicing.

Labcorp Genetics (formerly Invitae), Labcorp
Classification: Likely benign for Familial cancer of breast. Last evaluated: 2024-05-06. Review status: criteria provided, single submitter. Criteria: Invitae Variant Classification Sherloc (09022015). Collection method: clinical testing. Allele origin: germline.

Ambry Genetics
Classification: Likely benign for Hereditary cancer-predisposing syndrome. Last evaluated: 2023-06-30. Review status: criteria provided, single submitter. Criteria: Ambry Variant Classification Scheme 2023. Collection method: clinical testing. Allele origin: germline.

Color Diagnostics, LLC DBA Color Health
Classification: Likely benign for Hereditary cancer-predisposing syndrome. Last evaluated: 2018-12-04. Review status: criteria provided, single submitter. Criteria: ACMG Guidelines, 2015. Collection method: clinical testing. Allele origin: germline.

NM_000465.4(BARD1):c.1083A>G (p.Glu361=)

Gene: BARD1 (BRCA1 associated RING domain 1; minus strand). Cytogenetic location: 2q35.
Variant type: single nucleotide variant.
Coding change: c.1083A>G on transcript NM_000465.4 (MANE Select); coding-DNA position 1083, A replaced by G.
Protein change: p.Glu361=; no amino-acid change (glutamic acid 361 retained).
Molecular consequence: synonymous variant. On other transcripts: non-coding transcript variant (2), intron variant (3).
Genome position (GRCh38, 1-based): chr2:214,780,791, T>C on the plus strand (A>G on the coding strand, the complement: BARD1 is on the minus strand). VCF-style: chr2-214780791-T-C. GRCh37 (hg19) VCF-style: chr2-215645515-T-C.
Other names: c.1026A>G, p.Glu342= (NM_001282543.2); c.159-28236A>G (NM_001282548.2); c.215+16270A>G (NM_001282545.2); c.364+11506A>G (NM_001282549.2); c.1083A>G (NM_000465.2).
Identifiers: ClinVar variation 923674 (VCV000923674.16), dbSNP rs778116528, ClinGen allele CA431392269.